The following is an entry in ClinVar:

ClinVar aggregate classification (germline): Uncertain significance. Review status: criteria provided, multiple submitters, no conflicts (2 of 4 stars). 2 submissions from 2 submitters: Uncertain significance (2). Last evaluated 2026-03-18.

Submissions (2):

GeneDx
Classification: Uncertain significance. Last evaluated: 2026-03-18. Review status: criteria provided, single submitter. Criteria: GeneDx Variant Classification Process June 2021. Collection method: clinical testing. Allele origin: germline.
Comment: Not observed at significant frequency in large population cohorts (gnomAD); In-frame duplication of 6 amino acid(s) in a repetitive region with no known function; Has not been previously published as pathogenic or benign to our knowledge

Labcorp Genetics (formerly Invitae), Labcorp
Classification: Uncertain significance. Last evaluated: 2022-11-22. Review status: criteria provided, single submitter. Criteria: Invitae Variant Classification Sherloc (09022015). Collection method: clinical testing. Allele origin: germline.
Comment: This variant is not present in population databases (gnomAD no frequency). In summary, the available evidence is currently insufficient to determine the role of this variant in disease. Therefore, it has been classified as a Variant of Uncertain Significance. Experimental studies and prediction algorithms are not available or were not evaluated, and the functional significance of this variant is currently unknown. ClinVar contains an entry for this variant (Variation ID: 843744). This variant has not been reported in the literature in individuals affected with PDZD7-related conditions. This variant, c.2331_2348dup, results in the insertion of 6 amino acid(s) of the PDZD7 protein (p.Arg779_Ser784dup), but otherwise preserves the integrity of the reading frame.

NM_001195263.2(PDZD7):c.2331_2348dup (p.773_774RS[9])

Gene: PDZD7 (PDZ domain containing 7; minus strand). Cytogenetic location: 10q24.31.
Variant type: Duplication.
Coding change: c.2331_2348dup on transcript NM_001195263.2 (MANE Select); coding-DNA positions 2331 to 2348, 18 bases duplicated (TAGCCGCAGCCGCAGCCG).
Protein change: p.773_774RS[9].
Molecular consequence: inframe insertion.
Genome position (GRCh38, 1-based): chr10:101,010,541-101,010,558, CGGCTGCGGCTGCGGCTA duplicated on the plus strand (TAGCCGCAGCCGCAGCCG on the coding strand, the reverse complement: PDZD7 is on the minus strand); duplicating any 18 consecutive bases within chr10:101,010,541-101,010,569 gives the same sequence; the c. name uses the placement nearest the transcript's 3' end. VCF-style (leftmost placement, unchanged base first): chr10-101010540-G-GCGGCTGCGGCTGCGGCTA. GRCh37 (hg19) VCF-style: chr10-102770297-G-GCGGCTGCGGCTGCGGCTA.
Identifiers: ClinVar variation 843744 (VCV000843744.6), dbSNP rs727503369, ClinGen allele CA916083105.
Genomic context (GRCh38, chr10:101,010,540, plus strand): 5'-AGGGGTAGGCACCGGGGATGGGGAGCGTCTACCTGGAGACTTGCCTTGACCCCGGCTGCT[G>GCGGCTGCGGCTGCGGCTA]CGGCTGCGGCTGCGGCTACGGCTGCGGCTACGGCTCTGAGCCCGGCCCCGGATCTGGCTC-3'